The following is an entry in ClinVar:

ClinVar aggregate classification (germline): Likely benign (1 of 4 stars; one submission).

Conditions:
ROR2-related disorder. Also called: ROR2-related disorders; ROR2-related condition.

gnomAD v4.1: 31 of 1,607,532 alleles (0.0019%); highest among the groups gnomAD compares: East Asian, 0.0089%; no homozygotes.

Submission:

PreventionGenetics, part of Exact Sciences
Classification: Likely benign for ROR2-related condition. Last evaluated: 2025-10-13. Review status: criteria provided, single submitter. Criteria: ACMG Guidelines, 2015. Collection method: clinical testing. Allele origin: germline.
Comment: This variant is classified as likely benign based on ACMG/AMP sequence variant interpretation guidelines (Richards et al. 2015 PMID: 25741868, with internal and published modifications).

NM_004560.4(ROR2):c.623-14C>T

Gene: ROR2 (ROR family WNT receptor 2; minus strand). Cytogenetic location: 9q22.31.
Variant type: single nucleotide variant.
Coding change: c.623-14C>T on transcript NM_004560.4 (MANE Select); 14 bases into the intron before coding-DNA position 623, C replaced by T.
Molecular consequence: intron variant.
Genome position (GRCh38, 1-based): chr9:91,733,450, G>A on the plus strand (C>T on the coding strand, the complement: ROR2 is on the minus strand). VCF-style: chr9-91733450-G-A. GRCh37 (hg19) VCF-style: chr9-94495732-G-A.
Other names: c.623-14C>T (NM_001318204.2).
Identifiers: ClinVar variation 4987026 (VCV004987026.1).